The following is an entry in ClinVar:

ClinVar aggregate classification (germline): Uncertain significance (1 of 4 stars; one submission).

Conditions:
Naxos disease (NXD). Also called: CARDIOMYOPATHY, ARRHYTHMOGENIC RIGHT VENTRICULAR, WITH SKIN, HAIR, AND NAIL ABNORMALITIES; KERATOSIS PALMOPLANTARIS WITH ARRHYTHMOGENIC CARDIOMYOPATHY; MAL DE NAXOS; PALMOPLANTAR KERATODERMA WITH ARRHYTHMOGENIC RIGHT VENTRICULAR CARDIOMYOPATHY AND WOOLLY HAIR; WOOLLY HAIR, PALMOPLANTAR KERATODERMA, AND CARDIAC ABNORMALITIES. Identifiers: Orphanet 34217, MedGen C1832600, MONDO:0011017, OMIM 601214.
Arrhythmogenic right ventricular dysplasia 12. Also called: ARRHYTHMOGENIC RIGHT VENTRICULAR DYSPLASIA, FAMILIAL, 12. Identifiers: MedGen C1969081, MONDO:0012684, OMIM 611528.

Submission:

Labcorp Genetics (formerly Invitae), Labcorp
Classification: Uncertain significance for Arrhythmogenic right ventricular dysplasia 12; Naxos disease. Last evaluated: 2023-05-05. Review status: criteria provided, single submitter. Criteria: Invitae Variant Classification Sherloc (09022015). Collection method: clinical testing. Allele origin: germline.
Comment: This sequence change replaces glycine, which is neutral and non-polar, with valine, which is neutral and non-polar, at codon 481 of the JUP protein (p.Gly481Val). In summary, the available evidence is currently insufficient to determine the role of this variant in disease. Therefore, it has been classified as a Variant of Uncertain Significance. An algorithm developed to predict the effect of missense changes on protein structure and function (PolyPhen-2) suggests that this variant is likely to be disruptive. This variant has not been reported in the literature in individuals affected with JUP-related conditions. This variant is not present in population databases (gnomAD no frequency).

NM_002230.4(JUP):c.1442G>T (p.Gly481Val)

Gene: JUP (junction plakoglobin; minus strand). Cytogenetic location: 17q21.2.
Variant type: single nucleotide variant.
Coding change: c.1442G>T on transcript NM_002230.4 (MANE Select); coding-DNA position 1442, G replaced by T.
Protein change: p.Gly481Val; replaces glycine 481 with valine.
Molecular consequence: missense variant.
Genome position (GRCh38, 1-based): chr17:41,763,038, C>A on the plus strand (G>T on the coding strand, the complement: JUP is on the minus strand). VCF-style: chr17-41763038-C-A. GRCh37 (hg19) VCF-style: chr17-39919290-C-A.
Other names: c.1442G>T, p.Gly481Val (NM_001352773.2, NM_001352774.2, NM_001352775.2 and 3 more transcripts); short protein forms G481V.
Identifiers: ClinVar variation 2947469 (VCV002947469.3), dbSNP rs2544106243, ClinGen allele CA399496340.
Genomic context (GRCh38, chr17:41,763,038, plus strand): 5'-AGTACCTTGACCAGTGGCCACTGGTTGGGCTGGTTGAGCAGCTTCACGATGGCTGGGATG[C>A]CATAGTTGAGACGCACAGAGTTCTGGGCCATCTCGGCCTCAGGGTGGCGGCTAGTGAGGT-3'
Protein context (NP_002221.1, residues 471-491): MAQNSVRLNY[Gly481Val]IPAIVKLLNQ